The following is an entry in ClinVar:

NM_000018.4(ACADVL):c.421dup (p.Ala141fs)

Gene: ACADVL (acyl-CoA dehydrogenase very long chain; plus strand). Cytogenetic location: 17p13.1.
Variant type: Duplication.
Coding change: c.421dup on transcript NM_000018.4 (MANE Select); coding-DNA position 421, one base duplicated (G; older notation c.421dupG).
Protein change: p.Ala141fs; shifts the reading frame from alanine 141.
Molecular consequence: frameshift variant.
Genome position (GRCh38, 1-based): chr17:7,221,002, G duplicated; the last of 5 consecutive G bases (chr17:7,220,998-7,221,002); duplicating any one gives the same sequence. VCF-style (leftmost placement, unchanged base first): chr17-7220997-T-TG. GRCh37 (hg19) VCF-style: chr17-7124316-T-TG.
Other names: NM_000018.4(ACADVL):c.421dup; p.Ala141fs; c.355dup, p.Ala119fs (NM_001033859.3); c.490dup, p.Ala164fs (NM_001270447.2); c.193dup, p.Ala65fs (NM_001270448.2); short protein forms A65fs, A119fs, A141fs, A164fs.
Identifiers: ClinVar variation 951288 (VCV000951288.14), dbSNP rs2071185652, ClinGen allele CA1139665138.

ClinVar aggregate classification (germline): Likely pathogenic. Review status: reviewed by expert panel (3 of 4 stars). 4 submissions from 4 submitters: Likely pathogenic (1). 3 of the submissions do not count toward it. Last evaluated 2022-09-22.

Conditions:
Very long chain acyl-CoA dehydrogenase deficiency (ACADVLD). Also called: VLCAD Deficiency; Very Long-Chain Acyl-Coenzyme A Dehydrogenase Deficiency. Identifiers: Orphanet 26793, MedGen C3887523, MONDO:0008723, OMIM 201475.

Submissions (4):

ClinGen ACADVL Variant Curation Expert Panel, ClinGen
Classification: Likely pathogenic for Very long chain acyl-CoA dehydrogenase deficiency. Last evaluated: 2022-09-22. Review status: reviewed by expert panel. Criteria: clingen acadvl acmg specifications v1. Collection method: curation. Allele origin: germline. Inheritance: Autosomal recessive inheritance.
Comment: The NM_000018.4(ACADVL):c.421dup (p.Ala141fs) variant in ACADVL is a frameshift predicted to cause a premature stop codon in biologically relevant exon 6/20 leading to nonsense mediated decay in a gene in which loss-of-function is an established disease mechanism (PVS1: PMIDs 9973285, 11590124). This variant is absent from gnomAD v2.1.1 (PM2_Supporting). To our knowledge, this variant has not been reported in the literature in any individuals with VLCADD. The ACADVL Variant Curation Expert Panel VCEP classified the variant as likely pathogenic based on PVS1+PM2_supporting

CeGaT Center for Human Genetics Tuebingen
Classification: Pathogenic. Last evaluated: 2026-02-01. Review status: criteria provided, single submitter. Criteria: CeGaT Center For Human Genetics Tuebingen Variant Classification Criteria Version 2. Collection method: clinical testing. Allele origin: germline. Affected: yes. Observed: 1 variant allele. Not counted in ClinVar's aggregate classification.
Comment: ACADVL: PVS1, PM2, PP4:Moderate

Baylor Genetics
Classification: Likely pathogenic for Very long chain acyl-CoA dehydrogenase deficiency. Last evaluated: 2023-09-09. Review status: criteria provided, single submitter. Criteria: ACMG Guidelines, 2015. Collection method: clinical testing. Allele origin: unknown. Not counted in ClinVar's aggregate classification.

Labcorp Genetics (formerly Invitae), Labcorp
Classification: Pathogenic for Very long chain acyl-CoA dehydrogenase deficiency. Last evaluated: 2020-02-29. Review status: criteria provided, single submitter. Criteria: Invitae Variant Classification Sherloc (09022015). Collection method: clinical testing. Allele origin: germline. Not counted in ClinVar's aggregate classification.
Comment: This variant is not present in population databases (ExAC no frequency). For these reasons, this variant has been classified as Pathogenic. Loss-of-function variants in ACADVL are known to be pathogenic (PMID: 9973285, 11590124). This variant has not been reported in the literature in individuals with ACADVL-related conditions. This sequence change creates a premature translational stop signal (p.Ala141Glyfs*9) in the ACADVL gene. It is expected to result in an absent or disrupted protein product.

Literature cited by the submitters: PubMed 9973285 (cited by Labcorp Genetics (formerly Invitae), Labcorp); PubMed 11590124 (cited by Labcorp Genetics (formerly Invitae), Labcorp).